The following is an entry in ClinVar:

ClinVar aggregate classification (germline): Conflicting classifications of pathogenicity. Review status: criteria provided, conflicting classifications (1 of 4 stars). 8 submissions from 8 submitters: Uncertain significance (2); Benign (1); Likely benign (5). Last evaluated 2025-12-04.

Conditions:
KIF5A-related disorder. Also called: KIF5A-related condition; KIF5A-related disorders.
Hereditary spastic paraplegia 10 (SPG10). Also called: SPASTIC PARAPLEGIA 10, AUTOSOMAL DOMINANT; SPASTIC PARAPLEGIA 10 WITH OR WITHOUT PERIPHERAL NEUROPATHY; SPASTIC PARAPLEGIA 10 WITH PERIPHERAL NEUROPATHY. Identifiers: Orphanet 100991, MedGen C1858712, MONDO:0011408, OMIM 604187.
Inborn genetic diseases. Identifiers: MedGen C0950123, MeSH D030342.
Spastic paraplegia. Identifiers: MedGen C0037772, HP:0001258.

Allele frequency attached by ClinVar (database versions not stated): gnomAD exomes 0.00007 and 0.00015; gnomAD 0.00009 and 0.00010; TOPMed 0.00011; ExAC 0.00015.
gnomAD v4.1: 125 of 1,612,358 alleles (0.0078%); highest among the groups gnomAD compares: East Asian, 0.0022%; 1 homozygote.

Submissions (8):

Labcorp Genetics (formerly Invitae), Labcorp
Classification: Benign for Spastic paraplegia. Last evaluated: 2025-12-04. Review status: criteria provided, single submitter. Criteria: Invitae Variant Classification Sherloc (09022015). Collection method: clinical testing. Allele origin: germline.

GeneDx
Classification: Uncertain significance. Last evaluated: 2025-11-25. Review status: criteria provided, single submitter. Criteria: GeneDx Variant Classification Process June 2021. Collection method: clinical testing. Allele origin: germline.
Comment: In silico analysis supports that this missense variant has a deleterious effect on protein structure/function; Has not been previously published as pathogenic or benign to our knowledge

Women's Health and Genetics/Laboratory Corporation of America, LabCorp
Classification: Likely benign. Last evaluated: 2025-10-03. Review status: criteria provided, single submitter. Criteria: LabCorp Variant Classification Summary - May 2015. Collection method: clinical testing. Allele origin: germline.
Comment: Variant summary: KIF5A c.152G>A (p.Arg51His) results in a non-conservative amino acid change in the encoded protein sequence. Algorithms developed to predict the effect of missense changes on protein structure and function are either unavailable or do not agree on the potential impact of this missense change. The variant allele was found at a frequency of 0.00015 in 251474 control chromosomes, predominantly at a frequency of 0.003 within the Ashkenazi Jewish subpopulation in the gnomAD database, including 1 homozygotes. The observed variant frequency within Ashkenazi Jewish control individuals in the gnomAD database exceeds the estimated maximal expected allele frequency for disease-causing variants in KIF5A. To our knowledge, no occurrence of c.152G>A in individuals affected with KIF5A-related conditions and no experimental evidence demonstrating its impact on protein function have been reported. ClinVar contains an entry for this variant (Variation ID: 882058). Based on the evidence outlined above, the variant was classified as likely benign.

Mayo Clinic Laboratories, Mayo Clinic
Classification: Likely benign. Last evaluated: 2025-04-29. Review status: criteria provided, single submitter. Criteria: ACMG Guidelines, 2015. Collection method: clinical testing. Allele origin: germline. Observed: 1 variant allele.
Comment: BS1, BP4

Blueprint Genetics
Classification: Likely benign. Last evaluated: 2024-04-26. Review status: criteria provided, single submitter. Criteria: ACMG Guidelines, 2015. Collection method: clinical testing. Allele origin: germline.

PreventionGenetics, part of Exact Sciences
Classification: Likely benign for KIF5A-related condition. Last evaluated: 2023-06-22. Review status: criteria provided, single submitter. Criteria: ACMG Guidelines, 2015. Collection method: clinical testing. Allele origin: germline.
Comment: This variant is classified as likely benign based on ACMG/AMP sequence variant interpretation guidelines (Richards et al. 2015 PMID: 25741868, with internal and published modifications).

Ambry Genetics
Classification: Uncertain significance for Inborn genetic diseases. Last evaluated: 2023-04-20. Review status: criteria provided, single submitter. Criteria: Ambry Variant Classification Scheme 2023. Collection method: clinical testing. Allele origin: germline.

Illumina Laboratory Services, Illumina
Classification: Likely benign for Hereditary spastic paraplegia 10. Last evaluated: 2018-01-13. Review status: criteria provided, single submitter. Criteria: ICSL Variant Classification Criteria 13 December 2019. Collection method: clinical testing. Allele origin: germline.
Comment: This variant was observed in the ICSL laboratory as part of a predisposition screen in an ostensibly healthy population. It had not been previously curated by ICSL or reported in the Human Gene Mutation Database (HGMD: prior to June 1st, 2018), and was therefore a candidate for classification through an automated scoring system. Utilizing variant allele frequency, disease prevalence and penetrance estimates, and inheritance mode, an automated score was calculated to assess if this variant is too frequent to cause the disease. Based on the score and internal cut-off values, a variant classified as likely benign is not then subjected to further curation. The score for this variant resulted in a classification of likely benign for this disease.

NM_004984.4(KIF5A):c.152G>A (p.Arg51His)

Gene: KIF5A (kinesin family member 5A; plus strand). Cytogenetic location: 12q13.3.
Variant type: single nucleotide variant.
Coding change: c.152G>A on transcript NM_004984.4 (MANE Select); coding-DNA position 152, G replaced by A.
Protein change: p.Arg51His; replaces arginine 51 with histidine.
Molecular consequence: missense variant. On other transcripts: intron variant (1).
Genome position (GRCh38, 1-based): chr12:57,563,461, G>A. VCF-style: chr12-57563461-G-A. GRCh37 (hg19) VCF-style: chr12-57957244-G-A.
Other names: p.Arg51His; c.130-999G>A (NM_001354705.2); short protein forms R51H.
Identifiers: ClinVar variation 882058 (VCV000882058.19), dbSNP rs773336059, ClinGen allele CA6652519.